The following is an entry in ClinVar:

NM_206933.4(USH2A):c.387del (p.Phe129fs)

Gene: USH2A (usherin; minus strand). Cytogenetic location: 1q41.
Variant type: Deletion.
Coding change: c.387del on transcript NM_206933.4 (MANE Select); coding-DNA position 387, one base deleted (T; older notation c.387delT).
Protein change: p.Phe129fs; shifts the reading frame from phenylalanine 129.
Molecular consequence: frameshift variant.
Genome position (GRCh38, 1-based): chr1:216,421,950, A deleted on the plus strand (T on the coding strand, the reverse complement: USH2A is on the minus strand); the first of 5 consecutive A bases (chr1:216,421,950-216,421,954); deleting any one gives the same sequence. VCF-style (leftmost placement, unchanged base first): chr1-216421949-CA-C. GRCh37 (hg19) VCF-style: chr1-216595291-CA-C.
Other names: c.387del, p.Phe129fs (NM_007123.6); c.387del (NM_206933.2); short protein forms F129fs.
Identifiers: ClinVar variation 556037 (VCV000556037.16), dbSNP rs1484339054, ClinGen allele CA658823282.

ClinVar aggregate classification (germline): Pathogenic/Likely pathogenic. Review status: criteria provided, multiple submitters, no conflicts (2 of 4 stars). 8 submissions from 7 submitters: Pathogenic (2); Likely pathogenic (5). 1 of the submissions does not count toward it. Last evaluated 2026-01-09.

Conditions:
Usher syndrome type 2A. Also called: RETINAL DISEASE IN USHER SYNDROME TYPE IIA, MODIFIER OF; USHER SYNDROME, TYPE IIA. Identifiers: Orphanet 231178, Orphanet 886, MedGen C1848634, MONDO:0010169, OMIM 276901.
Retinitis pigmentosa 39 (RP39). Identifiers: Orphanet 791, MedGen C3151138, MONDO:0013436, OMIM 613809.
USH2A-related disorder. Also called: USH2A-related disorders; USH2A-related condition. Identifiers: MedGen CN239332.

Submissions (8):

3billion
Classification: Pathogenic for Retinitis pigmentosa 39. Last evaluated: 2026-01-09. Review status: criteria provided, single submitter. Criteria: ACMG Guidelines, 2015. Collection method: clinical testing. Allele origin: germline. Affected: yes.
Comment: The variant is observed at an extremely low frequency in the gnomAD v4.1.0 dataset (total allele frequency: <0.001%). Predicted Consequence/Location: Frameshift: predicted to result in a loss or disruption of normal protein function through nonsense-mediated decay (NMD) or protein truncation. Multiple pathogenic variants are reported downstream of the variant. The variant has been reported at least twice as pathogenic with clinical assertions and evidence for the classification (ClinVar ID: VCV000556037). Therefore, this variant is classified as Pathogenic according to the recommendation of ACMG/AMP guideline.

Labcorp Genetics (formerly Invitae), Labcorp
Classification: Pathogenic. Last evaluated: 2025-10-12. Review status: criteria provided, single submitter. Criteria: Invitae Variant Classification Sherloc (09022015). Collection method: clinical testing. Allele origin: germline.
Comment: This sequence change creates a premature translational stop signal (p.Phe129Leufs*16) in the USH2A gene. It is expected to result in an absent or disrupted protein product. Loss-of-function variants in USH2A are known to be pathogenic (PMID: 10729113, 10909849, 20507924, 25649381). This variant is not present in population databases (gnomAD no frequency). This variant has not been reported in the literature in individuals affected with USH2A-related conditions. ClinVar contains an entry for this variant (Variation ID: 556037). For these reasons, this variant has been classified as Pathogenic.

Genome-Nilou Lab
Classification: Likely pathogenic for Retinitis pigmentosa 39. Last evaluated: 2023-11-04. Review status: criteria provided, single submitter. Criteria: ACMG Guidelines, 2015. Collection method: clinical testing. Allele origin: germline. Affected: no.

Genome-Nilou Lab
Classification: Likely pathogenic for Usher syndrome type 2A. Last evaluated: 2023-11-04. Review status: criteria provided, single submitter. Criteria: ACMG Guidelines, 2015. Collection method: clinical testing. Allele origin: germline. Affected: no.

Baylor Genetics
Classification: Likely pathogenic for Retinitis pigmentosa 39. Last evaluated: 2023-10-10. Review status: criteria provided, single submitter. Criteria: ACMG Guidelines, 2015. Collection method: clinical testing. Allele origin: unknown.

Fulgent Genetics
Classification: Likely pathogenic for Usher syndrome type 2A; Retinitis pigmentosa 39. Last evaluated: 2022-02-24. Review status: criteria provided, single submitter. Criteria: ACMG Guidelines, 2015. Collection method: clinical testing. Allele origin: unknown.

Blueprint Genetics
Classification: Likely pathogenic for USH2A-related disorders. Last evaluated: 2018-04-21. Review status: criteria provided, single submitter. Criteria: ACMG Guidelines, 2015. Collection method: clinical testing. Allele origin: germline. Affected: yes. Observed: 1 variant allele.

Counsyl
Classification: Likely pathogenic for Usher syndrome type 2A; Retinitis pigmentosa 39. Last evaluated: 2018-01-10. Review status: no assertion criteria provided. Collection method: clinical testing. Allele origin: unknown. Not counted in ClinVar's aggregate classification.

Literature cited by the submitters: PubMed 10729113 (cited by Labcorp Genetics (formerly Invitae), Labcorp); PubMed 10909849 (cited by Labcorp Genetics (formerly Invitae), Labcorp); PubMed 20507924 (cited by Labcorp Genetics (formerly Invitae), Labcorp); PubMed 25649381 (cited by Labcorp Genetics (formerly Invitae), Labcorp).